The following is an entry in ClinVar:

ClinVar aggregate classification (germline): Uncertain significance (1 of 4 stars; one submission).

Conditions:
Myofibrillar myopathy 5. Also called: FILAMINOPATHY, AUTOSOMAL DOMINANT; Filaminopathy (type). Identifiers: Orphanet 171445, MedGen C1836050, MONDO:0012289, OMIM 609524.
Distal myopathy with posterior leg and anterior hand involvement. Also called: WILLIAMS DISTAL MYOPATHY. Identifiers: Orphanet 63273, MedGen C3279722, MONDO:0013550, OMIM 614065.
Hypertrophic cardiomyopathy 26. Also called: Cardiomyopathy, familial hypertrophic, 26. Identifiers: Orphanet 75249, MedGen C4310749, MONDO:0014883, OMIM 617047.

Submission:

Labcorp Genetics (formerly Invitae), Labcorp
Classification: Uncertain significance for Distal myopathy with posterior leg and anterior hand involvement; Myofibrillar myopathy 5; Hypertrophic cardiomyopathy 26. Last evaluated: 2019-06-18. Review status: criteria provided, single submitter. Criteria: Invitae Variant Classification Sherloc (09022015). Collection method: clinical testing. Allele origin: germline.
Comment: In summary, the available evidence is currently insufficient to determine the role of this variant in disease. Therefore, it has been classified as a Variant of Uncertain Significance. Algorithms developed to predict the effect of sequence changes on RNA splicing suggest that this variant may create or strengthen a splice site, but this prediction has not been confirmed by published transcriptional studies. Algorithms developed to predict the effect of missense changes on protein structure and function are either unavailable or do not agree on the potential impact of this missense change (SIFT: "Tolerated"; PolyPhen-2: "Probably Damaging"; Align-GVGD: "Class C0"). This variant has not been reported in the literature in individuals with FLNC-related conditions. This variant is not present in population databases (ExAC no frequency). This sequence change replaces glycine with serine at codon 356 of the FLNC protein (p.Gly356Ser). The glycine residue is moderately conserved and there is a small physicochemical difference between glycine and serine.

NM_001458.5(FLNC):c.1066G>A (p.Gly356Ser)

Gene: FLNC (filamin C; plus strand). Cytogenetic location: 7q32.1.
Variant type: single nucleotide variant.
Coding change: c.1066G>A on transcript NM_001458.5 (MANE Select); coding-DNA position 1066, G replaced by A.
Protein change: p.Gly356Ser; replaces glycine 356 with serine.
Molecular consequence: missense variant.
Genome position (GRCh38, 1-based): chr7:128,838,285, G>A. VCF-style: chr7-128838285-G-A. GRCh37 (hg19) VCF-style: chr7-128478339-G-A.
Other names: c.1066G>A, p.Gly356Ser (NM_001127487.2); short protein forms G356S.
Identifiers: ClinVar variation 941046 (VCV000941046.10), dbSNP rs1808183705, ClinGen allele CA369223577.